The following is an entry in ClinVar:

NM_006904.7(PRKDC):c.6722T>G (p.Leu2241Arg)

Gene: PRKDC (protein kinase, DNA-activated, catalytic subunit; minus strand). Cytogenetic location: 8q11.21.
Variant type: single nucleotide variant.
Coding change: c.6722T>G on transcript NM_006904.7 (MANE Select); coding-DNA position 6722, T replaced by G.
Protein change: p.Leu2241Arg; replaces leucine 2241 with arginine.
Molecular consequence: missense variant.
Genome position (GRCh38, 1-based): chr8:47,855,261, A>C on the plus strand (T>G on the coding strand, the complement: PRKDC is on the minus strand). VCF-style: chr8-47855261-A-C. GRCh37 (hg19) VCF-style: chr8-48767822-A-C.
Other names: c.6722T>G, p.Leu2241Arg (NM_001081640.2); short protein forms L2241R.
Identifiers: ClinVar variation 3425359 (VCV003425359.1).

ClinVar aggregate classification (germline): Uncertain significance (1 of 4 stars; one submission).

Submission:

Ambry Genetics
Classification: Uncertain significance. Last evaluated: 2024-10-18. Review status: criteria provided, single submitter. Criteria: Ambry Variant Classification Scheme 2023. Collection method: clinical testing. Allele origin: germline.
Comment: The p.L2241R variant (also known as c.6722T>G), located in coding exon 50 of the PRKDC gene, results from a T to G substitution at nucleotide position 6722. The leucine at codon 2241 is replaced by arginine, an amino acid with dissimilar properties. This amino acid position is conserved. Based on the available evidence, the clinical significance of this variant remains unclear.